The following is an entry in ClinVar:

NM_000875.5(IGF1R):c.1090A>G (p.Ile364Val)

Genes: IGF1R (insulin like growth factor 1 receptor; plus strand), LOC126862245 (P300/CBP strongly-dependent group 1 enhancer GRCh37_chr15:99439536-99440735; plus strand). Cytogenetic location: 15q26.3.
Variant type: single nucleotide variant.
Coding change: c.1090A>G on transcript NM_000875.5 (MANE Select); coding-DNA position 1090, A replaced by G.
Protein change: p.Ile364Val; replaces isoleucine 364 with valine.
Molecular consequence: missense variant.
Genome position (GRCh38, 1-based): chr15:98,896,893, A>G. VCF-style: chr15-98896893-A-G. GRCh37 (hg19) VCF-style: chr15-99440122-A-G.
Other names: c.1090A>G, p.Ile364Val (NM_001291858.2); short protein forms I364V.
Identifiers: ClinVar variation 4706966 (VCV004706966.1).

ClinVar aggregate classification (germline): Uncertain significance (1 of 4 stars; one submission).

Submission:

Labcorp Genetics (formerly Invitae), Labcorp
Classification: Uncertain significance. Last evaluated: 2025-12-19. Review status: criteria provided, single submitter. Criteria: Invitae Variant Classification Sherloc (09022015). Collection method: clinical testing. Allele origin: germline.
Comment: This sequence change replaces isoleucine, which is neutral and non-polar, with valine, which is neutral and non-polar, at codon 364 of the IGF1R protein (p.Ile364Val). This variant is not present in population databases (gnomAD no frequency). This variant has not been reported in the literature in individuals affected with IGF1R-related conditions. Invitae Evidence Modeling of protein sequence and biophysical properties (such as structural, functional, and spatial information, amino acid conservation, physicochemical variation, residue mobility, and thermodynamic stability) indicates that this missense variant is not expected to disrupt IGF1R protein function with a negative predictive value of 80%. In summary, the available evidence is currently insufficient to determine the role of this variant in disease. Therefore, it has been classified as a Variant of Uncertain Significance.